The following is an entry in ClinVar:

NM_022051.3(EGLN1):c.260G>T (p.Arg87Met)

Gene: EGLN1 (egl-9 family hypoxia inducible factor 1; minus strand). Cytogenetic location: 1q42.2.
Variant type: single nucleotide variant.
Coding change: c.260G>T on transcript NM_022051.3 (MANE Select); coding-DNA position 260, G replaced by T.
Protein change: p.Arg87Met; replaces arginine 87 with methionine.
Molecular consequence: missense variant.
Genome position (GRCh38, 1-based): chr1:231,421,629, C>A on the plus strand (G>T on the coding strand, the complement: EGLN1 is on the minus strand). VCF-style: chr1-231421629-C-A. GRCh37 (hg19) VCF-style: chr1-231557375-C-A.
Other names: c.260G>T, p.Arg87Met (NM_001377260.1, NM_001377261.1); short protein forms R87M.
Identifiers: ClinVar variation 4663420 (VCV004663420.1).

ClinVar aggregate classification (germline): Uncertain significance (1 of 4 stars; one submission).

Submission:

Ambry Genetics
Classification: Uncertain significance. Last evaluated: 2025-12-03. Review status: criteria provided, single submitter. Criteria: Ambry Variant Classification Scheme 2023. Collection method: clinical testing. Allele origin: germline.
Comment: The p.R87M variant (also known as c.260G>T), located in coding exon 1 of the EGLN1 gene, results from a G to T substitution at nucleotide position 260. The arginine at codon 87 is replaced by methionine, an amino acid with similar properties. This amino acid position is conserved. In addition, this alteration is predicted to be tolerated by in silico analysis. Based on the available evidence, the clinical significance of this variant remains unclear.